The following is an entry in ClinVar:

ClinVar aggregate classification (germline): Uncertain significance (1 of 4 stars; one submission).

Submission:

Labcorp Genetics (formerly Invitae), Labcorp
Classification: Uncertain significance. Last evaluated: 2024-09-04. Review status: criteria provided, single submitter. Criteria: Invitae Variant Classification Sherloc (09022015). Collection method: clinical testing. Allele origin: germline.
Comment: This sequence change replaces alanine, which is neutral and non-polar, with valine, which is neutral and non-polar, at codon 442 of the MSN protein (p.Ala442Val). This variant is not present in population databases (gnomAD no frequency). This variant has not been reported in the literature in individuals affected with MSN-related conditions. An algorithm developed to predict the effect of missense changes on protein structure and function (PolyPhen-2) suggests that this variant is likely to be tolerated. In summary, the available evidence is currently insufficient to determine the role of this variant in disease. Therefore, it has been classified as a Variant of Uncertain Significance.

NM_002444.3(MSN):c.1325C>T (p.Ala442Val)

Gene: MSN (moesin; plus strand). Cytogenetic location: Xq12.
Variant type: single nucleotide variant.
Coding change: c.1325C>T on transcript NM_002444.3 (MANE Select); coding-DNA position 1325, C replaced by T.
Protein change: p.Ala442Val; replaces alanine 442 with valine.
Molecular consequence: missense variant.
Genome position (GRCh38, 1-based): chrX:65,738,598, C>T. VCF-style: chrX-65738598-C-T. GRCh37 (hg19) VCF-style: chrX-64958460-C-T.
Other names: short protein forms A442V.
Identifiers: ClinVar variation 3664543 (VCV003664543.2).